The following is an entry in ClinVar:

ClinVar aggregate classification (germline): Benign. Review status: criteria provided, multiple submitters, no conflicts (2 of 4 stars). 6 submissions from 6 submitters: Benign (3). 3 of the submissions do not count toward it. Last evaluated 2024-10-29.

Conditions:
Cohen syndrome (COH1). Also called: PEPPER SYNDROME; Cutis verticis gyrata, retinitis pigmentosa, and sensorineural deafness. Identifiers: Orphanet 193, MedGen C0265223, MONDO:0008999, OMIM 216550.

Allele frequency attached by ClinVar (database versions not stated): gnomAD exomes 0.06492; ExAC 0.08281; 1000 Genomes Project 0.37380.

Submissions (19):

Blueprint Genetics
Classification: Benign. Last evaluated: 2024-10-29. Review status: criteria provided, single submitter. Criteria: ACMG Guidelines, 2015. Collection method: clinical testing. Allele origin: germline.

Mendelics
Classification: Benign. Last evaluated: 2022-05-04. Review status: criteria provided, single submitter. Criteria: Mendelics Assertion Criteria 2019. Collection method: clinical testing. Allele origin: germline.

GeneDx
Classification: Benign. Last evaluated: 2018-07-07. Review status: criteria provided, single submitter. Criteria: GeneDx Variant Classification Process June 2021. Collection method: clinical testing. Allele origin: germline. Affected: yes.
Comment: This variant is associated with the following publications: (PMID: 31589614)

Natera, Inc.
Classification: Benign for Cohen syndrome. Last evaluated: 2020-02-22. Review status: no assertion criteria provided. Collection method: clinical testing. Allele origin: germline. Not counted in ClinVar's aggregate classification.

Reproductive Health Research and Development, BGI Genomics
Classification: Benign for Cohen syndrome. Last evaluated: 2020-01-06. Review status: no assertion criteria provided. Collection method: curation. Allele origin: germline. Not counted in ClinVar's aggregate classification.
Comment: NG_007098.2(NM_017890.4):c.9406-2A>T in the gene VPS13B has an allele frequency of 0.097 in European (Finnish) subpopulation in the gnomAD database. This evidence suggests the variant to be classified as benign. ACMG/AMP criteria applied: BA1.

Counsyl
Classification: Likely pathogenic for Cohen syndrome. Last evaluated: 2017-11-22. Review status: no assertion criteria provided. Collection method: clinical testing. Allele origin: unknown. Not counted in ClinVar's aggregate classification.

Dr. Peter K. Rogan Lab, Western University
No classification provided (evidence only). Condition: Papillary renal cell carcinoma type 1. Review status: no classification provided. Collection method: in vitro. Allele origin: not applicable. Functional consequence: retained intron. Not counted in ClinVar's aggregate classification.

Dr. Peter K. Rogan Lab, Western University
No classification provided (evidence only). Condition: Familial cancer of breast. Review status: no classification provided. Collection method: in vitro. Allele origin: not applicable. Functional consequence: skipped exon. Not counted in ClinVar's aggregate classification.

Dr. Peter K. Rogan Lab, Western University
No classification provided (evidence only). Condition: Familial cancer of breast. Review status: no classification provided. Collection method: in vitro. Allele origin: not applicable. Functional consequence: retained intron. Not counted in ClinVar's aggregate classification.

Dr. Peter K. Rogan Lab, Western University
No classification provided (evidence only). Condition: Familial cancer of breast. Review status: no classification provided. Collection method: in vitro. Allele origin: not applicable. Functional consequence: retained intron. Not counted in ClinVar's aggregate classification.

Dr. Peter K. Rogan Lab, Western University
No classification provided (evidence only). Condition: Familial cancer of breast. Review status: no classification provided. Collection method: in vitro. Allele origin: not applicable. Functional consequence: retained intron. Not counted in ClinVar's aggregate classification.

Dr. Peter K. Rogan Lab, Western University
No classification provided (evidence only). Condition: Familial cancer of breast. Review status: no classification provided. Collection method: in vitro. Allele origin: not applicable. Functional consequence: retained intron. Not counted in ClinVar's aggregate classification.

Dr. Peter K. Rogan Lab, Western University
No classification provided (evidence only). Condition: Acute myeloid leukemia. Review status: no classification provided. Collection method: in vitro. Allele origin: not applicable. Functional consequence: skipped exon. Not counted in ClinVar's aggregate classification.

Dr. Peter K. Rogan Lab, Western University
No classification provided (evidence only). Condition: Acute myeloid leukemia. Review status: no classification provided. Collection method: in vitro. Allele origin: not applicable. Functional consequence: retained intron. Not counted in ClinVar's aggregate classification.

Dr. Peter K. Rogan Lab, Western University
No classification provided (evidence only). Condition: Acute myeloid leukemia. Review status: no classification provided. Collection method: in vitro. Allele origin: not applicable. Functional consequence: retained intron. Not counted in ClinVar's aggregate classification.

Dr. Peter K. Rogan Lab, Western University
No classification provided (evidence only). Condition: Thymoma. Review status: no classification provided. Collection method: in vitro. Allele origin: not applicable. Functional consequence: retained intron. Not counted in ClinVar's aggregate classification.

Dr. Peter K. Rogan Lab, Western University
No classification provided (evidence only). Condition: Thymoma. Review status: no classification provided. Collection method: in vitro. Allele origin: not applicable. Functional consequence: retained intron. Not counted in ClinVar's aggregate classification.

Dr. Peter K. Rogan Lab, Western University
No classification provided (evidence only). Condition: Thymoma. Review status: no classification provided. Collection method: in vitro. Allele origin: not applicable. Functional consequence: retained intron. Not counted in ClinVar's aggregate classification.

Dr. Peter K. Rogan Lab, Western University
No classification provided (evidence only). Condition: Cholangiocarcinoma. Review status: no classification provided. Collection method: in vitro. Allele origin: not applicable. Functional consequence: retained intron. Not counted in ClinVar's aggregate classification.

NM_152564.5(VPS13B):c.9331-2A>T

Gene: VPS13B (vacuolar protein sorting 13 homolog B; plus strand). Cytogenetic location: 8q22.2.
Variant type: single nucleotide variant.
Coding change: c.9331-2A>T on transcript NM_152564.5 (MANE Select); the canonical splice acceptor site of the intron before coding-DNA position 9331, A replaced by T.
Molecular consequence: splice acceptor variant.
Genome position (GRCh38, 1-based): chr8:99,832,367, A>T. VCF-style: chr8-99832367-A-T. GRCh37 (hg19) VCF-style: chr8-100844595-A-T.
Other names: NC_000008.10:g.100844595A>T; c.9406-2A>T (NM_017890.5).
Identifiers: ClinVar variation 555020 (VCV000555020.11), dbSNP rs74485751, ClinGen allele CA4824681.